The following is an entry in ClinVar:

NM_001372.4(DNAH9):c.100A>G (p.Met34Val)

Gene: DNAH9 (dynein axonemal heavy chain 9; plus strand). Cytogenetic location: 17p12.
Variant type: single nucleotide variant.
Coding change: c.100A>G on transcript NM_001372.4 (MANE Select); coding-DNA position 100, A replaced by G.
Protein change: p.Met34Val; replaces methionine 34 with valine.
Molecular consequence: missense variant.
Genome position (GRCh38, 1-based): chr17:11,598,598, A>G. VCF-style: chr17-11598598-A-G. GRCh37 (hg19) VCF-style: chr17-11501915-A-G.
Other names: short protein forms M34V.
Identifiers: ClinVar variation 2105057 (VCV002105057.4), dbSNP rs978924136, ClinGen allele CA287796625.

ClinVar aggregate classification (germline): Uncertain significance (1 of 4 stars; one submission).

Allele frequency attached by ClinVar (database versions not stated): gnomAD exomes below 0.00001; gnomAD 0.00002; TOPMed 0.00002.
gnomAD v4.1: 8 of 1,339,424 alleles (0.0006%); highest among the groups gnomAD compares: Admixed American, 0.004%; no homozygotes.

Submission:

Labcorp Genetics (formerly Invitae), Labcorp
Classification: Uncertain significance. Last evaluated: 2022-06-11. Review status: criteria provided, single submitter. Criteria: Invitae Variant Classification Sherloc (09022015). Collection method: clinical testing. Allele origin: germline.
Comment: In summary, the available evidence is currently insufficient to determine the role of this variant in disease. Therefore, it has been classified as a Variant of Uncertain Significance. Algorithms developed to predict the effect of missense changes on protein structure and function (SIFT, PolyPhen-2, Align-GVGD) all suggest that this variant is likely to be tolerated. This variant has not been reported in the literature in individuals affected with DNAH9-related conditions. This variant is not present in population databases (gnomAD no frequency). This sequence change replaces methionine, which is neutral and non-polar, with valine, which is neutral and non-polar, at codon 34 of the DNAH9 protein (p.Met34Val).